The following is an entry in ClinVar:

NM_017636.4(TRPM4):c.1512del (p.His505fs)

Gene: TRPM4 (transient receptor potential cation channel subfamily M member 4; plus strand). Cytogenetic location: 19q13.33.
Variant type: Deletion.
Coding change: c.1512del on transcript NM_017636.4 (MANE Select); coding-DNA position 1512, one base deleted (G; older notation c.1512delG).
Protein change: p.His505fs; shifts the reading frame from histidine 505.
Molecular consequence: frameshift variant. On other transcripts: 5 prime UTR variant (1).
Genome position (GRCh38, 1-based): chr19:49,182,826, G deleted; the last of 4 consecutive G bases (chr19:49,182,823-49,182,826); deleting any one gives the same sequence. VCF-style (leftmost placement, unchanged base first): chr19-49182822-TG-T. GRCh37 (hg19) VCF-style: chr19-49686079-TG-T.
Other names: c.1512del, p.His505fs (NM_001195227.2); c.1167del, p.His390fs (NM_001321281.2); c.-42del (NM_001321282.2); c.990del, p.His331fs (NM_001321283.2); c.450del, p.His151fs (NM_001321285.2); short protein forms H151fs, H331fs, H390fs, H505fs.
Identifiers: ClinVar variation 2123167 (VCV002123167.4), dbSNP rs1234702676, ClinGen allele CA2580097556.
Genomic context (GRCh38, chr19:49,182,822, plus strand): 5'-GCGCAGGCACCAAAGCCCCAGCCCTAAAAGGGGGAGCTGCGGAGCTCCGGCCCCCTGACG[TG>T]GGGCATGTGCTGAGGATGCTGCTGGGGAAGATGTGCGCGCCGAGGTACCCCTCCGGGGGC-3'

ClinVar aggregate classification (germline): Uncertain significance (1 of 4 stars; one submission).

Conditions:
Progressive familial heart block type IB (PFHB1B). Identifiers: Orphanet 871, MedGen C1970298, MONDO:0011474, OMIM 604559.

Submission:

Labcorp Genetics (formerly Invitae), Labcorp
Classification: Uncertain significance for Progressive familial heart block type IB. Last evaluated: 2022-04-08. Review status: criteria provided, single submitter. Criteria: Invitae Variant Classification Sherloc (09022015). Collection method: clinical testing. Allele origin: germline.
Comment: In summary, the available evidence is currently insufficient to determine the role of this variant in disease. Therefore, it has been classified as a Variant of Uncertain Significance. This variant has not been reported in the literature in individuals affected with TRPM4-related conditions. This variant is not present in population databases (gnomAD no frequency). This sequence change creates a premature translational stop signal (p.His505Metfs*3) in the TRPM4 gene. It is expected to result in an absent or disrupted protein product. However, the current clinical and genetic evidence is not sufficient to establish whether loss-of-function variants in TRPM4 cause disease.